The following is an entry in ClinVar:

ClinVar aggregate classification (germline): Conflicting classifications of pathogenicity. Review status: criteria provided, conflicting classifications (1 of 4 stars). 2 submissions from 2 submitters: Likely pathogenic (1); Uncertain significance (1). Last evaluated 2026-05-12.

Conditions:
Spastic paraplegia. Identifiers: MedGen C0037772, HP:0001258.
Hereditary spastic paraplegia 15 (SPG15). Also called: SPASTIC PARAPLEGIA 15, AUTOSOMAL RECESSIVE; KJELLIN SYNDROME; SPASTIC PARAPLEGIA AND RETINAL DEGENERATION. Identifiers: Orphanet 100996, MedGen C1849128, MONDO:0010044, OMIM 270700.

Submissions (2):

Myriad Genetics, Inc.
Classification: Uncertain significance for Hereditary spastic paraplegia 15. Last evaluated: 2026-05-12. Review status: criteria provided, single submitter. Criteria: Myriad Autosomal Dominant, Autosomal Recessive and X-Linked Classification Criteria (2023). Collection method: clinical testing. Allele origin: unknown.
Comment: NM_015346.3(ZFYVE26):c.2401+2T>C is a variant in a canonical splice site classified as a variant of uncertain significance in the context of spastic paraplegia type 15. c.2401+2T>C has not been observed in cases with relevant disease. Relevant functional assessments of this variant are not available in the literature. c.2401+2T>C has not been observed in referenced population frequency databases. In summary, there is insufficient evidence to classify NM_015346.3(ZFYVE26):c.2401+2T>C as pathogenic or benign. Please note: this variant was assessed in the context of healthy population screening.

Labcorp Genetics (formerly Invitae), Labcorp
Classification: Likely pathogenic for Spastic paraplegia. Last evaluated: 2022-07-22. Review status: criteria provided, single submitter. Criteria: Invitae Variant Classification Sherloc (09022015). Collection method: clinical testing. Allele origin: germline.
Comment: In summary, the currently available evidence indicates that the variant is pathogenic, but additional data are needed to prove that conclusively. Therefore, this variant has been classified as Likely Pathogenic. Algorithms developed to predict the effect of sequence changes on RNA splicing suggest that this variant may disrupt the consensus splice site. This variant has not been reported in the literature in individuals affected with ZFYVE26-related conditions. This variant is not present in population databases (gnomAD no frequency). This sequence change affects a donor splice site in intron 13 of the ZFYVE26 gene. It is expected to disrupt RNA splicing. Variants that disrupt the donor or acceptor splice site typically lead to a loss of protein function (PMID: 16199547), and loss-of-function variants in ZFYVE26 are known to be pathogenic (PMID: 18394578, 19805727).

Literature cited by the submitters: PubMed 16199547 (cited by Labcorp Genetics (formerly Invitae), Labcorp); PubMed 18394578 (cited by Labcorp Genetics (formerly Invitae), Labcorp); PubMed 19805727 (cited by Labcorp Genetics (formerly Invitae), Labcorp).

NM_015346.4(ZFYVE26):c.2401+2T>C

Gene: ZFYVE26 (zinc finger FYVE-type containing 26; minus strand). Cytogenetic location: 14q24.1.
Variant type: single nucleotide variant.
Coding change: c.2401+2T>C on transcript NM_015346.4 (MANE Select); the canonical splice donor site of the intron after coding-DNA position 2401, T replaced by C.
Molecular consequence: splice donor variant.
Genome position (GRCh38, 1-based): chr14:67,794,169, A>G on the plus strand (T>C on the coding strand, the complement: ZFYVE26 is on the minus strand). VCF-style: chr14-67794169-A-G. GRCh37 (hg19) VCF-style: chr14-68260886-A-G.
Identifiers: ClinVar variation 2018842 (VCV002018842.5), dbSNP rs2039894103, ClinGen allele CA390174517.